The following is an entry in ClinVar:

NM_018943.3(TUBA8):c.323A>G (p.Tyr108Cys)

Gene: TUBA8 (tubulin alpha 8; plus strand). Cytogenetic location: 22q11.21.
Variant type: single nucleotide variant.
Coding change: c.323A>G on transcript NM_018943.3 (MANE Select); coding-DNA position 323, A replaced by G.
Protein change: p.Tyr108Cys; replaces tyrosine 108 with cysteine.
Molecular consequence: missense variant.
Genome position (GRCh38, 1-based): chr22:18,124,252, A>G. VCF-style: chr22-18124252-A-G. GRCh37 (hg19) VCF-style: chr22-18607019-A-G.
Other names: c.125A>G, p.Tyr42Cys (NM_001193414.2); c.323A>G (NM_018943.2); short protein forms Y108C, Y42C.
Identifiers: ClinVar variation 3011137 (VCV003011137.4), dbSNP rs1928249611, ClinGen allele CA410262204.

ClinVar aggregate classification (germline): Uncertain significance. Review status: criteria provided, multiple submitters, no conflicts (2 of 4 stars). 2 submissions from 2 submitters: Uncertain significance (2). Last evaluated 2025-08-26.

Allele frequency attached by ClinVar (database versions not stated): TOPMed below 0.00001.

Submissions (2):

Ambry Genetics
Classification: Uncertain significance. Last evaluated: 2025-08-26. Review status: criteria provided, single submitter. Criteria: Ambry Variant Classification Scheme 2023. Collection method: clinical testing. Allele origin: germline.

Labcorp Genetics (formerly Invitae), Labcorp
Classification: Uncertain significance. Last evaluated: 2023-10-25. Review status: criteria provided, single submitter. Criteria: Invitae Variant Classification Sherloc (09022015). Collection method: clinical testing. Allele origin: germline.
Comment: This sequence change replaces tyrosine, which is neutral and polar, with cysteine, which is neutral and slightly polar, at codon 108 of the TUBA8 protein (p.Tyr108Cys). This variant is not present in population databases (gnomAD no frequency). This variant has not been reported in the literature in individuals affected with TUBA8-related conditions. Advanced modeling of protein sequence and biophysical properties (such as structural, functional, and spatial information, amino acid conservation, physicochemical variation, residue mobility, and thermodynamic stability) has been performed at Invitae for this missense variant, however the output from this modeling did not meet the statistical confidence thresholds required to predict the impact of this variant on TUBA8 protein function. In summary, the available evidence is currently insufficient to determine the role of this variant in disease. Therefore, it has been classified as a Variant of Uncertain Significance.